The following is an entry in ClinVar:

ClinVar aggregate classification (germline): Uncertain significance. Review status: criteria provided, single submitter (1 of 4 stars). 2 submissions from 1 submitter: Uncertain significance (2).

Conditions:
Maturity-onset diabetes of the young (MODY). Also called: Maturity onset diabetes mellitus in young. Identifiers: Orphanet 552, MedGen C0342276, MONDO:0018911, HP:0004904.
Transitory neonatal diabetes mellitus. Also called: Transient neonatal diabetes mellitus. Identifiers: MedGen C0342273, MONDO:0020525, HP:0008255.

Allele frequency attached by ClinVar (database versions not stated): ESP Exome Variant Server 0.00008.

Submissions (2):

Clinical Genomics, Uppaluri K&H Personalized Medicine Clinic
Classification: Uncertain significance for Maturity-onset diabetes of the young. Review status: criteria provided, single submitter. Criteria: K & H Uppaluri Personalized Medicine Clinic Variant Classification & Assertion Criteria_Updated V.1. Collection method: research. Allele origin: unknown. Inheritance: Somatic mutation.
Comment: Mutations in ABCC8 gene are associated with both neonatal diabetes mellitus as well as MODY. Patients with this mutation may have a better response to sulfonylureas. However, no sufficient evidence is found to ascertain the role of this particular variant (rs200708414) in MODY yet.

Clinical Genomics, Uppaluri K&H Personalized Medicine Clinic
Classification: Uncertain significance for Transitory neonatal diabetes mellitus. Review status: criteria provided, single submitter. Criteria: K & H Uppaluri Personalized Medicine Clinic Variant Classification & Assertion Criteria_Updated V.1. Collection method: research. Allele origin: unknown. Inheritance: Somatic mutation.
Comment: Mutations in ABCC8 gene are associated with both neonatal diabetes mellitus as well as MODY. Patients with this mutation may have a better response to sulfonylureas. However, no sufficient evidence is found to ascertain the role of this particular variant (rs200708414) in neonatal diabetes yet.

Literature cited by the submitters: PubMed 16885549; PubMed 21989597; PubMed 27538677; PubMed 18981553; PubMed 32027066; PubMed 16613899; PubMed 18025408; PubMed 32792356.

NM_000352.6(ABCC8):c.2235C>A (p.Ser745Arg)

Gene: ABCC8 (ATP binding cassette subfamily C member 8; minus strand). Cytogenetic location: 11p15.1.
Variant type: single nucleotide variant.
Coding change: c.2235C>A on transcript NM_000352.6 (MANE Select); coding-DNA position 2235, C replaced by A.
Protein change: p.Ser745Arg; replaces serine 745 with arginine.
Molecular consequence: missense variant. On other transcripts: non-coding transcript variant (1).
Genome position (GRCh38, 1-based): chr11:17,416,950, G>T on the plus strand (C>A on the coding strand, the complement: ABCC8 is on the minus strand). VCF-style: chr11-17416950-G-T. GRCh37 (hg19) VCF-style: chr11-17438497-G-T.
Other names: c.2238C>A, p.Ser746Arg (NM_001287174.3); c.2301C>A, p.Ser767Arg (NM_001351295.2); c.2235C>A, p.Ser745Arg (NM_001351296.2); c.2232C>A, p.Ser744Arg (NM_001351297.2); short protein forms S744R, S745R, S746R, S767R.
Identifiers: ClinVar variation 1690302 (VCV001690302.1), dbSNP rs200708414, ClinGen allele CA5903254.